The following is an entry in ClinVar:

NM_004006.3(DMD):c.2844G>C (p.Met948Ile)

Gene: DMD (dystrophin; minus strand). Cytogenetic location: Xp21.1.
Variant type: single nucleotide variant.
Coding change: c.2844G>C on transcript NM_004006.3 (MANE Select); coding-DNA position 2844, G replaced by C.
Protein change: p.Met948Ile; replaces methionine 948 with isoleucine.
Molecular consequence: missense variant.
Genome position (GRCh38, 1-based): chrX:32,472,269, C>G on the plus strand (G>C on the coding strand, the complement: DMD is on the minus strand). VCF-style: chrX-32472269-C-G. GRCh37 (hg19) VCF-style: chrX-32490386-C-G.
Other names: c.2820G>C, p.Met940Ile (NM_000109.4); c.2832G>C, p.Met944Ile (NM_004009.3); c.2475G>C, p.Met825Ile (NM_004010.3); short protein forms M940I, M948I, M825I, M944I.
Identifiers: ClinVar variation 3686606 (VCV003686606.2).

ClinVar aggregate classification (germline): Uncertain significance (1 of 4 stars; one submission).

Conditions:
Duchenne muscular dystrophy (DMD). Also called: MUSCULAR DYSTROPHY, PSEUDOHYPERTROPHIC PROGRESSIVE, DUCHENNE TYPE; Duchenne Muscular Dystrophy (DMD). Identifiers: Orphanet 98896, MedGen C0013264, MONDO:0010679, OMIM 310200.

Submission:

Labcorp Genetics (formerly Invitae), Labcorp
Classification: Uncertain significance for Duchenne muscular dystrophy. Last evaluated: 2024-08-28. Review status: criteria provided, single submitter. Criteria: Invitae Variant Classification Sherloc (09022015). Collection method: clinical testing. Allele origin: germline.
Comment: This sequence change replaces methionine, which is neutral and non-polar, with isoleucine, which is neutral and non-polar, at codon 948 of the DMD protein (p.Met948Ile). This variant is not present in population databases (gnomAD no frequency). This variant has not been reported in the literature in individuals affected with DMD-related conditions. Invitae Evidence Modeling of protein sequence and biophysical properties (such as structural, functional, and spatial information, amino acid conservation, physicochemical variation, residue mobility, and thermodynamic stability) indicates that this missense variant is not expected to disrupt DMD protein function with a negative predictive value of 95%. In summary, the available evidence is currently insufficient to determine the role of this variant in disease. Therefore, it has been classified as a Variant of Uncertain Significance.